The following is an entry in ClinVar:

NM_001165963.4(SCN1A):c.4002+2T>C

Genes: SCN1A (sodium voltage-gated channel alpha subunit 1; minus strand), LOC102724058 (uncharacterized LOC102724058; plus strand). Cytogenetic location: 2q24.3.
Variant type: single nucleotide variant.
Coding change: c.4002+2T>C on transcript NM_001165963.4 (MANE Select); the canonical splice donor site of the intron after coding-DNA position 4002, T replaced by C.
Molecular consequence: splice donor variant.
Genome position (GRCh38, 1-based): chr2:166,009,717, A>G on the plus strand (T>C on the coding strand, the complement: SCN1A is on the minus strand). VCF-style: chr2-166009717-A-G. GRCh37 (hg19) VCF-style: chr2-166866227-A-G.
Other names: c.3969+2T>C (NM_001353949.2, NM_001353950.2, NM_001353951.2 and 2 more transcripts); c.3918+2T>C (NM_001353958.2, NM_001353957.2, NM_001165964.3); c.4002+2T>C (NM_001202435.3, NM_001353948.2); c.3966+2T>C (NM_001353955.2, NM_001353954.2); c.3915+2T>C (NM_001353960.2); c.1560+2T>C (NM_001353961.2).
Identifiers: ClinVar variation 567917 (VCV000567917.11), dbSNP rs1559140110, ClinGen allele CA349052812.

ClinVar aggregate classification (germline): Pathogenic. Review status: criteria provided, multiple submitters, no conflicts (2 of 4 stars). 2 submissions from 2 submitters: Pathogenic (2). Last evaluated 2026-02-03.

Conditions:
Early-infantile DEE. Also called: Early infantile epileptic encephalopathy; Early infantile epileptic encephalopathy with suppression bursts; Ohtahara syndrome. Identifiers: Orphanet 1934, MedGen C0393706, MONDO:0800491.

Submissions (2):

GeneDx
Classification: Pathogenic. Last evaluated: 2026-02-03. Review status: criteria provided, single submitter. Criteria: GeneDx Variant Classification Process June 2021. Collection method: clinical testing. Allele origin: germline.
Comment: Canonical splice site variant predicted to result in an in-frame loss of the adjacent exon in a gene for which loss of function is a known mechanism of disease; Not observed at significant frequency in large population cohorts (gnomAD); This variant is associated with the following publications: (PMID: 25525159, 32090326, 18930999, 17347258, 16199547, 31440721, 38232648, 21248271)

Labcorp Genetics (formerly Invitae), Labcorp
Classification: Pathogenic for Early-infantile DEE. Last evaluated: 2020-02-10. Review status: criteria provided, single submitter. Criteria: Invitae Variant Classification Sherloc (09022015). Collection method: clinical testing. Allele origin: germline.
Comment: For these reasons, this variant has been classified as Pathogenic. This sequence change affects a donor splice site in intron 20 of the SCN1A gene. It is expected to disrupt RNA splicing and likely results in an absent or disrupted protein product. This variant is not present in population databases (ExAC no frequency). This variant has been reported to be de novo in an individual affected with classic Dravet syndrome (PMID: 21248271). Algorithms developed to predict the effect of sequence changes on RNA splicing suggest that this variant may disrupt the consensus splice site, but this prediction has not been confirmed by published transcriptional studies. Donor and acceptor splice site variants typically lead to a loss of protein function (PMID: 16199547), and loss-of-function variants in SCN1A are known to be pathogenic (PMID: 17347258, 18930999).

Literature cited by the submitters: PubMed 21248271 (cited by Labcorp Genetics (formerly Invitae), Labcorp); PubMed 16199547 (cited by Labcorp Genetics (formerly Invitae), Labcorp); PubMed 17347258 (cited by Labcorp Genetics (formerly Invitae), Labcorp); PubMed 18930999 (cited by Labcorp Genetics (formerly Invitae), Labcorp).